The following is an entry in ClinVar:

NM_001242957.3(MAK):c.745_746dup (p.Ile250fs)

Gene: MAK (male germ cell associated kinase; minus strand). Cytogenetic location: 6p24.2.
Variant type: Microsatellite.
Coding change: c.745_746dup on transcript NM_001242957.3 (MANE Select); coding-DNA positions 745 to 746, 2 bases duplicated (CT; older notation c.745_746dupCT).
Protein change: p.Ile250fs; shifts the reading frame from isoleucine 250.
Molecular consequence: frameshift variant. On other transcripts: non-coding transcript variant (2).
Genome position (GRCh38, 1-based): chr6:10,801,977-10,801,978, AG duplicated on the plus strand (CT on the coding strand, the reverse complement: MAK is on the minus strand); duplicating any 2 consecutive bases within chr6:10,801,977-10,801,980 gives the same sequence; the c. name uses the placement nearest the transcript's 3' end. VCF-style (leftmost placement, unchanged base first): chr6-10801976-A-AAG. GRCh37 (hg19) VCF-style: chr6-10802209-A-AAG.
Other names: c.745_746dup, p.Ile250fs (NM_001242385.2, NM_005906.6); c.643_644dup, p.Ile216fs (NM_001377262.1); short protein forms I216fs, I250fs.
Identifiers: ClinVar variation 1074357 (VCV001074357.8), dbSNP rs2127556217, ClinGen allele CA2580614835.

ClinVar aggregate classification (germline): Pathogenic/Likely pathogenic. Review status: criteria provided, multiple submitters, no conflicts (2 of 4 stars). 2 submissions from 2 submitters: Pathogenic (1); Likely pathogenic (1). Last evaluated 2023-04-28.

Conditions:
MAK-related disorders.

Submissions (2):

Blueprint Genetics
Classification: Likely pathogenic for MAK-related disorders. Last evaluated: 2023-04-28. Review status: criteria provided, single submitter. Criteria: ACMG Guidelines, 2015. Collection method: clinical testing. Allele origin: germline. Affected: yes. Observed: 2 variant alleles.

Labcorp Genetics (formerly Invitae), Labcorp
Classification: Pathogenic. Last evaluated: 2022-02-03. Review status: criteria provided, single submitter. Criteria: Invitae Variant Classification Sherloc (09022015). Collection method: clinical testing. Allele origin: germline.
Comment: This sequence change creates a premature translational stop signal (p.Ile250Leufs*13) in the MAK gene. It is expected to result in an absent or disrupted protein product. Loss-of-function variants in MAK are known to be pathogenic (PMID: 21148103, 21825139, 24938718, 29781741). This variant is not present in population databases (gnomAD no frequency). This variant has not been reported in the literature in individuals affected with MAK-related conditions. For these reasons, this variant has been classified as Pathogenic.

Literature cited by the submitters: PubMed 21148103 (cited by Labcorp Genetics (formerly Invitae), Labcorp); PubMed 21825139 (cited by Labcorp Genetics (formerly Invitae), Labcorp); PubMed 24938718 (cited by Labcorp Genetics (formerly Invitae), Labcorp); PubMed 29781741 (cited by Labcorp Genetics (formerly Invitae), Labcorp).